The following is an entry in ClinVar:

NM_000090.4(COL3A1):c.694G>A (p.Glu232Lys)

Gene: COL3A1 (collagen type III alpha 1 chain; plus strand). Cytogenetic location: 2q32.2.
Variant type: single nucleotide variant.
Coding change: c.694G>A on transcript NM_000090.4 (MANE Select); coding-DNA position 694, G replaced by A.
Protein change: p.Glu232Lys; replaces glutamic acid 232 with lysine.
Molecular consequence: missense variant.
Genome position (GRCh38, 1-based): chr2:188,990,099, G>A. VCF-style: chr2-188990099-G-A. GRCh37 (hg19) VCF-style: chr2-189854825-G-A.
Other names: short protein forms E232K.
Identifiers: ClinVar variation 3359029 (VCV003359029.2).
Genomic context (GRCh38, chr2:188,990,099, plus strand): 5'-GCTACAATGTATTTTCTCATACATGAGCACCTACGTATTCTTTATTTCTCTACCTAGGGA[G>A]AATCAGGTAGACCCGGACGACCTGGAGAGCGAGGATTGCCTGGACCTCCAGTGAGTCTTC-3'
Protein context (NP_000081.2, residues 222-242): GPSGPAGKDG[Glu232Lys]SGRPGRPGER

ClinVar aggregate classification (germline): Uncertain significance (1 of 4 stars; one submission).

Conditions:
Ehlers-Danlos syndrome, type 4 (EDSVASC). Also called: Ehlers-Danlos syndrome vascular type; Ehlers Danlos syndrome, ecchymotic type; Ehlers Danlos syndrome, arterial type; Ehlers Danlos syndrome, Sack-Barabas type; Ehlers-Danlos Syndrome Type IV. Identifiers: Orphanet 286, MedGen C0268338, MONDO:0017314, OMIM 130050.

Submission:

Institute of Human Genetics, University of Leipzig Medical Center
Classification: Uncertain significance for Ehlers-Danlos syndrome, type 4. Last evaluated: 2024-07-31. Review status: criteria provided, single submitter. Criteria: ACMG Guidelines, 2015. Collection method: clinical testing. Allele origin: unknown. Inheritance: Autosomal dominant inheritance. Affected: yes.
Comment: Criteria applied: PM2,PP2,PP3